The following is an entry in ClinVar:

NM_014112.5(TRPS1):c.3631A>C (p.Asn1211His)

Gene: TRPS1 (transcriptional repressor GATA binding 1; minus strand). Cytogenetic location: 8q23.3.
Variant type: single nucleotide variant.
Coding change: c.3631A>C on transcript NM_014112.5 (MANE Select); coding-DNA position 3631, A replaced by C.
Protein change: p.Asn1211His; replaces asparagine 1211 with histidine.
Molecular consequence: missense variant.
Genome position (GRCh38, 1-based): chr8:115,414,277, T>G on the plus strand (A>C on the coding strand, the complement: TRPS1 is on the minus strand). VCF-style: chr8-115414277-T-G. GRCh37 (hg19) VCF-style: chr8-116426505-T-G.
Other names: c.3604A>C, p.Asn1202His (NM_001282902.3); c.3610A>C, p.Asn1204His (NM_001282903.3); c.3592A>C, p.Asn1198His (NM_001330599.2); short protein forms N1198H, N1202H, N1204H, N1211H.
Identifiers: ClinVar variation 4072539 (VCV004072539.1).
Genomic context (GRCh38, chr8:115,414,277, plus strand): 5'-CACATTTTGTTGAAAGTTCATCTTGAGTACTTCTATCAACTTTCTCTGTTTTTACTACAT[T>G]CAAGGGACCTTCATTTTTTACATTTGGTGGTGCCTTCGTTTTCTCCTTGGAGGCACCGTT-3'
Protein context (NP_054831.2, residues 1201-1221): PPNVKNEGPL[Asn1211His]VVKTEKVDRS

ClinVar aggregate classification (germline): Uncertain significance (1 of 4 stars; one submission).

Submission:

GeneDx
Classification: Uncertain significance. Last evaluated: 2025-01-30. Review status: criteria provided, single submitter. Criteria: GeneDx Variant Classification Process June 2021. Collection method: clinical testing. Allele origin: germline. Affected: yes.
Comment: Not observed at significant frequency in large population cohorts (gnomAD); In silico analysis indicates that this missense variant does not alter protein structure/function; Has not been previously published as pathogenic or benign to our knowledge